The following is an entry in ClinVar:

NM_000093.5(COL5A1):c.2534C>G (p.Pro845Arg)

Gene: COL5A1 (collagen type V alpha 1 chain; plus strand). Cytogenetic location: 9q34.3.
Variant type: single nucleotide variant.
Coding change: c.2534C>G on transcript NM_000093.5 (MANE Select); coding-DNA position 2534, C replaced by G.
Protein change: p.Pro845Arg; replaces proline 845 with arginine.
Molecular consequence: missense variant.
Genome position (GRCh38, 1-based): chr9:134,785,038, C>G. VCF-style: chr9-134785038-C-G. GRCh37 (hg19) VCF-style: chr9-137676884-C-G.
Other names: p.Pro845Arg; c.2534C>G, p.Pro845Arg (NM_001278074.1); short protein forms P845R.
Identifiers: ClinVar variation 3626267 (VCV003626267.3).

ClinVar aggregate classification (germline): Uncertain significance. Review status: criteria provided, multiple submitters, no conflicts (2 of 4 stars). 3 submissions from 3 submitters: Uncertain significance (3). Last evaluated 2026-07-05.

Conditions:
COL5A1-related disorder. Also called: COL5A1-related condition.
Ehlers-Danlos syndrome, classic type, 1 (EDSCL1). Also called: Ehlers-Danlos syndrome, type 1; EDS I; EHLERS-DANLOS SYNDROME, GRAVIS TYPE; EHLERS-DANLOS SYNDROME, SEVERE CLASSIC TYPE; Ehlers-Danlos Syndrome, Classic Type, COL5A1-Related. Identifiers: MedGen C0268335, MONDO:0019567, OMIM 130000.

Submissions (3):

PreventionGenetics, part of Exact Sciences
Classification: Uncertain significance for COL5A1-related condition. Last evaluated: 2026-07-05. Review status: criteria provided, single submitter. Criteria: ACMG Guidelines, 2015. Collection method: clinical testing. Allele origin: germline.
Comment: The COL5A1 c.2534C>G variant is predicted to result in the amino acid substitution p.Pro845Arg. To our knowledge, this variant has not been reported in the literature or in a large population database (gnomAD), indicating this variant is rare. At this time, the clinical significance of this variant is uncertain due to the absence of conclusive functional and genetic evidence.

Mayo Clinic Laboratories, Mayo Clinic
Classification: Uncertain significance. Last evaluated: 2025-09-19. Review status: criteria provided, single submitter. Criteria: ACMG Guidelines, 2015. Collection method: clinical testing. Allele origin: germline. Observed: 2 variant alleles.
Comment: PP3, PM2_supporting

Labcorp Genetics (formerly Invitae), Labcorp
Classification: Uncertain significance for Ehlers-Danlos syndrome, classic type, 1. Last evaluated: 2024-06-22. Review status: criteria provided, single submitter. Criteria: Invitae Variant Classification Sherloc (09022015). Collection method: clinical testing. Allele origin: germline.
Comment: This sequence change replaces proline, which is neutral and non-polar, with arginine, which is basic and polar, at codon 845 of the COL5A1 protein (p.Pro845Arg). This variant is not present in population databases (gnomAD no frequency). This variant has not been reported in the literature in individuals affected with COL5A1-related conditions. Advanced modeling of protein sequence and biophysical properties (such as structural, functional, and spatial information, amino acid conservation, physicochemical variation, residue mobility, and thermodynamic stability) has been performed at Invitae for this missense variant, however the output from this modeling did not meet the statistical confidence thresholds required to predict the impact of this variant on COL5A1 protein function. In summary, the available evidence is currently insufficient to determine the role of this variant in disease. Therefore, it has been classified as a Variant of Uncertain Significance.